The following is an entry in ClinVar:

NM_007294.4(BRCA1):c.5332+185A>C

Gene: BRCA1 (BRCA1 DNA repair associated; minus strand). Cytogenetic location: 17q21.31.
Variant type: single nucleotide variant.
Coding change: c.5332+185A>C on transcript NM_007294.4 (MANE Select); 185 bases into the intron after coding-DNA position 5332, A replaced by C.
Molecular consequence: intron variant.
Genome position (GRCh38, 1-based): chr17:43,050,878, T>G on the plus strand (A>C on the coding strand, the complement: BRCA1 is on the minus strand). VCF-style: chr17-43050878-T-G. GRCh37 (hg19) VCF-style: chr17-41202895-T-G.
Other names: IVS 21+185A>C; c.1879+185A>C (NM_001408458.1, NM_001408461.1, NM_001408464.1 and 7 more transcripts); c.4441+185A>C (NM_001407967.1); c.4951+185A>C (NM_001407959.1); c.5065+185A>C (NM_001407931.1, NM_001407932.1, NM_001407928.1 and 4 more transcripts); c.5188+185A>C (NM_001407747.1, NM_001407745.1, NM_001407737.1 and 21 more transcripts); c.4948+185A>C (NM_001407962.1, NM_001407960.1); c.1519+185A>C (NM_001408512.1); and 75 more.
Identifiers: ClinVar variation 209257 (VCV000209257.9), dbSNP rs8176298, ClinGen allele CA276229.
Genomic context (GRCh38, chr17:43,050,878, plus strand): 5'-ATAACATACTGAATCCTAACTATTAACCACCTTCATGCTCTTGAGAAGGGGGACAAGGTA[T>G]AGTTTTTTTTTGCCATAGGATAACATTTAGGTGCTGTTTTGTTTGGAGAGTGGTAGAGAA-3'

ClinVar aggregate classification (germline): Benign. Review status: reviewed by expert panel (3 of 4 stars). 2 submissions from 2 submitters: Benign (1). 1 of the submissions does not count toward it. Last evaluated 2015-01-12.

Conditions:
Breast-ovarian cancer, familial, susceptibility to, 1 (BROVCA1). Also called: OVARIAN CANCER, SUSCEPTIBILITY TO; BRCA1 Hereditary Breast and Ovarian Cancer. Identifiers: Orphanet 145, MedGen C2676676, MONDO:0011450, OMIM 604370. Disease mechanism: loss of function.

Allele frequency attached by ClinVar (database versions not stated): gnomAD 0.00301 and 0.00319; TOPMed 0.00334; 1000 Genomes Project 0.00339; 1000 Genomes Project 30x 0.00375.
gnomAD v4.1: 450 of 152,320 alleles (0.3%); highest among the groups gnomAD compares: African/African-American, 1%; 2 homozygotes.

Submissions (2):

Evidence-based Network for the Interpretation of Germline Mutant Alleles (ENIGMA)
Classification: Benign for Breast-ovarian cancer, familial 1. Last evaluated: 2015-01-12. Review status: reviewed by expert panel. Criteria: ENIGMA BRCA1/2 Classification Criteria (2015). Collection method: curation. Allele origin: germline.
Comment: Class 1 not pathogenic based on frequency >1% in an outbred sampleset. Frequency 0.02439 (African), derived from 1000 genomes (2012-04-30).

CeGaT Center for Human Genetics Tuebingen
Classification: Likely benign. Last evaluated: 2025-04-01. Review status: criteria provided, single submitter. Criteria: CeGaT Center For Human Genetics Tuebingen Variant Classification Criteria Version 2. Collection method: clinical testing. Allele origin: germline. Affected: yes. Observed: 2 variant alleles. Not counted in ClinVar's aggregate classification.
Comment: BRCA1: BS1